The following is an entry in ClinVar:

NM_000092.5(COL4A4):c.1440del (p.Gly481fs)

Gene: COL4A4 (collagen type IV alpha 4 chain; minus strand). Cytogenetic location: 2q36.3.
Variant type: Deletion.
Coding change: c.1440del on transcript NM_000092.5 (MANE Select); coding-DNA position 1440, one base deleted (A; older notation c.1440delA).
Protein change: p.Gly481fs; shifts the reading frame from glycine 481.
Molecular consequence: frameshift variant.
Genome position (GRCh38, 1-based): chr2:227,089,887, T deleted on the plus strand (A on the coding strand, the reverse complement: COL4A4 is on the minus strand). VCF-style (leftmost placement, unchanged base first): chr2-227089886-CT-C. GRCh37 (hg19) VCF-style: chr2-227954602-CT-C.
Other names: short protein forms G481fs.
Identifiers: ClinVar variation 1456584 (VCV001456584.6), dbSNP rs2150616126, ClinGen allele CA2573135379.

ClinVar aggregate classification (germline): Pathogenic (1 of 4 stars; one submission).

Submission:

Labcorp Genetics (formerly Invitae), Labcorp
Classification: Pathogenic. Last evaluated: 2022-04-08. Review status: criteria provided, single submitter. Criteria: Invitae Variant Classification Sherloc (09022015). Collection method: clinical testing. Allele origin: germline.
Comment: For these reasons, this variant has been classified as Pathogenic. Algorithms developed to predict the effect of sequence changes on RNA splicing suggest that this variant may disrupt the consensus splice site. This variant has not been reported in the literature in individuals affected with COL4A4-related conditions. This variant is not present in population databases (gnomAD no frequency). This sequence change creates a premature translational stop signal (p.Gly481Alafs*172) in the COL4A4 gene. It is expected to result in an absent or disrupted protein product. Loss-of-function variants in COL4A4 are known to be pathogenic (PMID: 21196518, 24854265, 25307543).

Literature cited by the submitters: PubMed 21196518; PubMed 24854265; PubMed 25307543.